The following is an entry in ClinVar:

NM_004260.4(RECQL4):c.3037G>A (p.Asp1013Asn)

Gene: RECQL4 (RecQ like helicase 4; minus strand). Cytogenetic location: 8q24.3.
Variant type: single nucleotide variant.
Coding change: c.3037G>A on transcript NM_004260.4 (MANE Select); coding-DNA position 3037, G replaced by A.
Protein change: p.Asp1013Asn; replaces aspartic acid 1013 with asparagine.
Molecular consequence: missense variant.
Genome position (GRCh38, 1-based): chr8:144,512,410, C>T on the plus strand (G>A on the coding strand, the complement: RECQL4 is on the minus strand). VCF-style: chr8-144512410-C-T. GRCh37 (hg19) VCF-style: chr8-145737793-C-T.
Other names: c.2905G>A, p.Asp969Asn (NM_001413033.1); c.1966G>A, p.Asp656Asn (NM_001413034.1, NM_001413035.1, NM_001413040.1 and 4 more transcripts); c.3037G>A, p.Asp1013Asn (NM_001413036.1); c.1834G>A, p.Asp612Asn (NM_001413037.1); c.1768G>A, p.Asp590Asn (NM_001413038.1, NM_001413031.1); c.3007G>A, p.Asp1003Asn (NM_001413039.1); c.1975G>A, p.Asp659Asn (NM_001413041.1); c.1936G>A, p.Asp646Asn (NM_001413042.1); and 9 more; short protein forms D896N, D969N, D590N, D612N, D634N, D659N, D681N, D947N.
Identifiers: ClinVar variation 2077893 (VCV002077893.4), dbSNP rs1266261662, ClinGen allele CA372671181.
Genomic context (GRCh38, chr8:144,512,410, plus strand): 5'-GCAGGCAGCGTCCAGGGCGGTGTGGGGTGGGGAGAGGCGCACCTGTCCTGGGCTCGTGGT[C>T]CCACTGCAGCTGGCAGAGAGCCCGCCGCACAGAGGCCAGCTCCCAGCCCATGGAGTCCAC-3'
Protein context (NP_004251.4, residues 1003-1023): VRRALCQLQW[Asp1013Asn]HEPRTGVRRG

ClinVar aggregate classification (germline): Uncertain significance (1 of 4 stars; one submission).

Conditions:
Baller-Gerold syndrome (BGS). Also called: CRANIOSYNOSTOSIS WITH RADIAL DEFECTS. Identifiers: Orphanet 1225, MedGen C0265308, MONDO:0009039, OMIM 218600.

Allele frequency attached by ClinVar (database versions not stated): TOPMed below 0.00001.
gnomAD v4.1: 1 of 1,607,290 alleles (0.000062%); highest among the groups gnomAD compares: Admixed American, 0.0017%; no homozygotes.

Submission:

Labcorp Genetics (formerly Invitae), Labcorp
Classification: Uncertain significance for Baller-Gerold syndrome. Last evaluated: 2025-11-25. Review status: criteria provided, single submitter. Criteria: Invitae Variant Classification Sherloc (09022015). Collection method: clinical testing. Allele origin: germline.
Comment: This sequence change replaces aspartic acid, which is acidic and polar, with asparagine, which is neutral and polar, at codon 1013 of the RECQL4 protein (p.Asp1013Asn). This variant is present in population databases (no rsID available, gnomAD 0.003%). This variant has not been reported in the literature in individuals affected with RECQL4-related conditions. ClinVar contains an entry for this variant (Variation ID: 2077893). Invitae Evidence Modeling of protein sequence and biophysical properties (such as structural, functional, and spatial information, amino acid conservation, physicochemical variation, residue mobility, and thermodynamic stability) indicates that this missense variant is not expected to disrupt RECQL4 protein function with a negative predictive value of 80%. In summary, the available evidence is currently insufficient to determine the role of this variant in disease. Therefore, it has been classified as a Variant of Uncertain Significance.